The following is an entry in ClinVar:

ClinVar aggregate classification (germline): Uncertain significance (1 of 4 stars; one submission).

Allele frequency attached by ClinVar (database versions not stated): gnomAD exomes below 0.00001 and 0.00002; ExAC 0.00001; gnomAD 0.00003 and 0.00004; TOPMed 0.00004.
gnomAD v4.1: 33 of 1,613,948 alleles (0.002%); highest among the groups gnomAD compares: Middle Eastern, 0.033%; no homozygotes.

Submission:

Labcorp Genetics (formerly Invitae), Labcorp
Classification: Uncertain significance. Last evaluated: 2025-12-22. Review status: criteria provided, single submitter. Criteria: Invitae Variant Classification Sherloc (09022015). Collection method: clinical testing. Allele origin: germline.
Comment: This sequence change replaces isoleucine, which is neutral and non-polar, with threonine, which is neutral and polar, at codon 184 of the C1S protein (p.Ile184Thr). This variant is present in population databases (rs782541591, gnomAD 0.006%). This variant has not been reported in the literature in individuals affected with C1S-related conditions. ClinVar contains an entry for this variant (Variation ID: 1524614). Invitae Evidence Modeling of protein sequence and biophysical properties (such as structural, functional, and spatial information, amino acid conservation, physicochemical variation, residue mobility, and thermodynamic stability) indicates that this missense variant is not expected to disrupt C1S protein function with a negative predictive value of 80%. In summary, the available evidence is currently insufficient to determine the role of this variant in disease. Therefore, it has been classified as a Variant of Uncertain Significance.

NM_001734.5(C1S):c.551T>C (p.Ile184Thr)

Gene: C1S (complement C1s; plus strand). Cytogenetic location: 12p13.31.
Variant type: single nucleotide variant.
Coding change: c.551T>C on transcript NM_001734.5 (MANE Select); coding-DNA position 551, T replaced by C.
Protein change: p.Ile184Thr; replaces isoleucine 184 with threonine.
Molecular consequence: missense variant.
Genome position (GRCh38, 1-based): chr12:7,065,133, T>C. VCF-style: chr12-7065133-T-C. GRCh37 (hg19) VCF-style: chr12-7172437-T-C.
Other names: c.50T>C, p.Ile17Thr (NM_001346850.2); c.551T>C, p.Ile184Thr (NM_201442.4); short protein forms I184T, I17T.
Identifiers: ClinVar variation 1524614 (VCV001524614.8), dbSNP rs782541591, ClinGen allele CA6423495.